The following is an entry in ClinVar:

NM_022455.5(NSD1):c.4766-2A>G

Gene: NSD1 (nuclear receptor binding SET domain protein 1; plus strand). Cytogenetic location: 5q35.3.
Variant type: single nucleotide variant.
Coding change: c.4766-2A>G on transcript NM_022455.5 (MANE Select); the canonical splice acceptor site of the intron before coding-DNA position 4766, A replaced by G.
Molecular consequence: splice acceptor variant.
Genome position (GRCh38, 1-based): chr5:177,256,949, A>G. VCF-style: chr5-177256949-A-G. GRCh37 (hg19) VCF-style: chr5-176683950-A-G.
Other names: c.4766-2A>G (NM_001409301.1, NM_001409302.1, NM_001409303.1); c.4346-2A>G (NM_001409304.1); c.4013-2A>G (NM_001409305.1); c.4004-2A>G (NM_001409306.1, NM_001409307.1); c.3893-2A>G (NM_001409308.1, NM_172349.5, NM_001409309.1 and 1 more transcripts).
Identifiers: ClinVar variation 807641 (VCV000807641.9), dbSNP rs1581457332, ClinGen allele CA362354680.

ClinVar aggregate classification (germline): Pathogenic/Likely pathogenic. Review status: criteria provided, multiple submitters, no conflicts (2 of 4 stars). 2 submissions from 2 submitters: Pathogenic (1); Likely pathogenic (1). Last evaluated 2021-10-22.

Conditions:
Sotos syndrome (SOTOS). Also called: Distinctive facial appearance, overgrowth in childhood, and learning disabilities or delayed development; CEREBRAL GIGANTISM; CHROMOSOME 5q35 DELETION SYNDROME; Sotos' syndrome; SOTOS SYNDROME 1. Identifiers: Orphanet 821, MedGen C0175695, MONDO:0019349, OMIM 117550.

Submissions (2):

Labcorp Genetics (formerly Invitae), Labcorp
Classification: Likely pathogenic. Last evaluated: 2021-10-22. Review status: criteria provided, single submitter. Criteria: Invitae Variant Classification Sherloc (09022015). Collection method: clinical testing. Allele origin: germline.
Comment: This sequence change affects an acceptor splice site in intron 12 of the NSD1 gene. It is expected to disrupt RNA splicing. Variants that disrupt the donor or acceptor splice site typically lead to a loss of protein function (PMID: 16199547), and loss-of-function variants in NSD1 are known to be pathogenic (PMID: 12464997, 14571271, 15942875, 16247291). This variant is not present in population databases (ExAC no frequency). This variant has not been reported in the literature in individuals affected with NSD1-related conditions. ClinVar contains an entry for this variant (Variation ID: 807641). Algorithms developed to predict the effect of sequence changes on RNA splicing suggest that this variant may disrupt the consensus splice site. In summary, the currently available evidence indicates that the variant is pathogenic, but additional data are needed to prove that conclusively. Therefore, this variant has been classified as Likely Pathogenic.

Institute of Human Genetics Munich, TUM University Hospital
Classification: Pathogenic for Sotos syndrome. Last evaluated: 2018-11-05. Review status: criteria provided, single submitter. Criteria: Classification criteria August 2017. Collection method: clinical testing. Allele origin: germline. Inheritance: Autosomal dominant inheritance. Affected: yes. Observed: 1 variant allele, 1 heterozygote.

Literature cited by the submitters: PubMed 16199547 (cited by Labcorp Genetics (formerly Invitae), Labcorp); PubMed 12464997 (cited by Labcorp Genetics (formerly Invitae), Labcorp); PubMed 14571271 (cited by Labcorp Genetics (formerly Invitae), Labcorp); PubMed 15942875 (cited by Labcorp Genetics (formerly Invitae), Labcorp); PubMed 16247291 (cited by Labcorp Genetics (formerly Invitae), Labcorp).